The following is an entry in ClinVar:

NM_001042681.2(RERE):c.1820G>A (p.Arg607His)

Gene: RERE (arginine-glutamic acid dipeptide repeats; minus strand). Cytogenetic location: 1p36.23.
Variant type: single nucleotide variant.
Coding change: c.1820G>A on transcript NM_001042681.2 (MANE Select); coding-DNA position 1820, G replaced by A.
Protein change: p.Arg607His; replaces arginine 607 with histidine.
Molecular consequence: missense variant.
Genome position (GRCh38, 1-based): chr1:8,362,765, C>T on the plus strand (G>A on the coding strand, the complement: RERE is on the minus strand). VCF-style: chr1-8362765-C-T. GRCh37 (hg19) VCF-style: chr1-8422825-C-T.
Other names: c.158G>A, p.Arg53His (NM_001042682.2); c.1820G>A, p.Arg607His (NM_012102.4); short protein forms R53H, R607H.
Identifiers: ClinVar variation 3687769 (VCV003687769.2).

ClinVar aggregate classification (germline): Uncertain significance (1 of 4 stars; one submission).

gnomAD v4.1: 5 of 1,614,176 alleles (0.00031%); highest among the groups gnomAD compares: Middle Eastern, 0.017%; no homozygotes.

Submission:

Labcorp Genetics (formerly Invitae), Labcorp
Classification: Uncertain significance. Last evaluated: 2024-12-06. Review status: criteria provided, single submitter. Criteria: Invitae Variant Classification Sherloc (09022015). Collection method: clinical testing. Allele origin: germline.
Comment: This sequence change replaces arginine, which is basic and polar, with histidine, which is basic and polar, at codon 607 of the RERE protein (p.Arg607His). This variant is not present in population databases (gnomAD no frequency). This variant has not been reported in the literature in individuals affected with RERE-related conditions. Invitae Evidence Modeling of protein sequence and biophysical properties (such as structural, functional, and spatial information, amino acid conservation, physicochemical variation, residue mobility, and thermodynamic stability) has been performed for this missense variant. However, the output from this modeling did not meet the statistical confidence thresholds required to predict the impact of this variant on RERE protein function. In summary, the available evidence is currently insufficient to determine the role of this variant in disease. Therefore, it has been classified as a Variant of Uncertain Significance.